The following is an entry in ClinVar:

ClinVar aggregate classification (germline): Uncertain significance (1 of 4 stars; one submission).

Allele frequency attached by ClinVar (database versions not stated): TOPMed 0.00004; gnomAD 0.00005; ESP Exome Variant Server 0.00008.
gnomAD v4.1: 77 of 1,614,008 alleles (0.0048%); highest among the groups gnomAD compares: Non-Finnish European, 0.0061%; no homozygotes.

Submission:

Labcorp Genetics (formerly Invitae), Labcorp
Classification: Uncertain significance. Last evaluated: 2024-11-11. Review status: criteria provided, single submitter. Criteria: Invitae Variant Classification Sherloc (09022015). Collection method: clinical testing. Allele origin: germline.
Comment: This sequence change replaces asparagine, which is neutral and polar, with serine, which is neutral and polar, at codon 27 of the GTF2H5 protein (p.Asn27Ser). This variant is present in population databases (rs372171527, gnomAD 0.005%). This variant has not been reported in the literature in individuals affected with GTF2H5-related conditions. ClinVar contains an entry for this variant (Variation ID: 2170032). An algorithm developed to predict the effect of missense changes on protein structure and function (PolyPhen-2) suggests that this variant¬†is likely to be tolerated. In summary, the available evidence is currently insufficient to determine the role of this variant in disease. Therefore, it has been classified as a Variant of Uncertain Significance.

NM_207118.3(GTF2H5):c.80A>G (p.Asn27Ser)

Gene: GTF2H5 (general transcription factor IIH subunit 5; plus strand). Cytogenetic location: 6q25.3.
Variant type: single nucleotide variant.
Coding change: c.80A>G on transcript NM_207118.3 (MANE Select); coding-DNA position 80, A replaced by G.
Protein change: p.Asn27Ser; replaces asparagine 27 with serine.
Molecular consequence: missense variant.
Genome position (GRCh38, 1-based): chr6:158,192,021, A>G. VCF-style: chr6-158192021-A-G. GRCh37 (hg19) VCF-style: chr6-158613053-A-G.
Other names: short protein forms N27S.
Identifiers: ClinVar variation 2170032 (VCV002170032.3), dbSNP rs372171527, ClinGen allele CA4071591.
Genomic context (GRCh38, chr6:158,192,021, plus strand): 5'-GTGTTTGTCTTTACAGTGATCCTGCCATGAAGCAGTTTCTGCTGTACTTGGATGAGTCCA[A>G]TGCCCTGGGGAAGAAGTTCATCATTCAAGACATTGATGACACTCACGTCTTTGTAATAGC-3'
Protein context (NP_997001.1, residues 17-37): KQFLLYLDES[Asn27Ser]ALGKKFIIQD